The following is an entry in ClinVar:

NM_001164665.2(KIAA1549):c.4308C>T (p.Ala1436=)

Gene: KIAA1549 (KIAA1549; minus strand). Cytogenetic location: 7q34.
Variant type: single nucleotide variant.
Coding change: c.4308C>T on transcript NM_001164665.2 (MANE Select); coding-DNA position 4308, C replaced by T.
Protein change: p.Ala1436=; no amino-acid change (alanine 1436 retained).
Molecular consequence: synonymous variant.
Genome position (GRCh38, 1-based): chr7:138,879,575, G>A on the plus strand (C>T on the coding strand, the complement: KIAA1549 is on the minus strand). VCF-style: chr7-138879575-G-A. GRCh37 (hg19) VCF-style: chr7-138564321-G-A.
Other names: c.4308C>T, p.Ala1436= (NM_020910.3); c.4308C>T (NM_001164665.1).
Identifiers: ClinVar variation 1148679 (VCV001148679.34), dbSNP rs377359028, ClinGen allele CA4505948.

ClinVar aggregate classification (germline): Likely benign. Review status: criteria provided, multiple submitters, no conflicts (2 of 4 stars). 4 submissions from 4 submitters: Likely benign (3). 1 of the submissions does not count toward it. Last evaluated 2025-10-18.

Conditions:
KIAA1549-related disorder. Also called: KIAA1549-related condition.

Allele frequency attached by ClinVar (database versions not stated): TOPMed 0.00012; gnomAD 0.00015; ESP Exome Variant Server 0.00017; gnomAD exomes 0.00018; ExAC 0.00041.
gnomAD v4.1: 285 of 1,568,414 alleles (0.018%); highest among the groups gnomAD compares: Non-Finnish European, 0.023%; no homozygotes.

Submissions (4):

Labcorp Genetics (formerly Invitae), Labcorp
Classification: Likely benign. Last evaluated: 2025-10-18. Review status: criteria provided, single submitter. Criteria: Invitae Variant Classification Sherloc (09022015). Collection method: clinical testing. Allele origin: germline.

Blueprint Genetics
Classification: Likely benign. Last evaluated: 2024-11-18. Review status: criteria provided, single submitter. Criteria: ACMG Guidelines, 2015. Collection method: clinical testing. Allele origin: germline.

CeGaT Center for Human Genetics Tuebingen
Classification: Likely benign. Last evaluated: 2024-01-01. Review status: criteria provided, single submitter. Criteria: CeGaT Center For Human Genetics Tuebingen Variant Classification Criteria Version 2. Collection method: clinical testing. Allele origin: germline. Affected: yes. Observed: 2 variant alleles.
Comment: KIAA1549: BP4, BP7

PreventionGenetics, part of Exact Sciences
Classification: Likely benign for KIAA1549-related condition. Last evaluated: 2019-11-25. Review status: no assertion criteria provided. Collection method: clinical testing. Allele origin: germline. Not counted in ClinVar's aggregate classification.
Comment: This variant is classified as likely benign based on ACMG/AMP sequence variant interpretation guidelines (Richards et al. 2015 PMID: 25741868, with internal and published modifications).